The following is an entry in ClinVar:

ClinVar aggregate classification (germline): Likely benign (0 of 4 stars; one submission).

Conditions:
NRP2-related disorder. Also called: NRP2-related condition.

gnomAD v4.1: 4 of 1,611,222 alleles (0.00025%); highest among the groups gnomAD compares: Middle Eastern, 0.017%; no homozygotes.

Submission:

PreventionGenetics, part of Exact Sciences
Classification: Likely benign for NRP2-related condition. Last evaluated: 2023-12-07. Review status: no assertion criteria provided. Collection method: clinical testing. Allele origin: germline.
Comment: This variant is classified as likely benign based on ACMG/AMP sequence variant interpretation guidelines (Richards et al. 2015 PMID: 25741868, with internal and published modifications).

NM_003872.3(NRP2):c.434-4A>G

Gene: NRP2 (neuropilin 2; plus strand). Cytogenetic location: 2q33.3.
Variant type: single nucleotide variant.
Coding change: c.434-4A>G on transcript NM_003872.3 (MANE Select); 4 bases into the intron before coding-DNA position 434, A replaced by G.
Molecular consequence: intron variant.
Genome position (GRCh38, 1-based): chr2:205,722,474, A>G. VCF-style: chr2-205722474-A-G. GRCh37 (hg19) VCF-style: chr2-206587198-A-G.
Other names: c.434-4A>G (NM_201266.2, NM_201279.2, NM_018534.4 and 2 more transcripts).
Identifiers: ClinVar variation 3348710 (VCV003348710.1).